The following is an entry in ClinVar:

NM_006017.3(PROM1):c.2401G>A (p.Ala801Thr)

Gene: PROM1 (prominin 1; minus strand). Cytogenetic location: 4p15.32.
Variant type: single nucleotide variant.
Coding change: c.2401G>A on transcript NM_006017.3 (MANE Select); coding-DNA position 2401, G replaced by A.
Protein change: p.Ala801Thr; replaces alanine 801 with threonine.
Molecular consequence: missense variant.
Genome position (GRCh38, 1-based): chr4:15,980,510, C>T on the plus strand (G>A on the coding strand, the complement: PROM1 is on the minus strand). VCF-style: chr4-15980510-C-T. GRCh37 (hg19) VCF-style: chr4-15982133-C-T.
Other names: c.2374G>A, p.Ala792Thr (NM_001145851.2, NM_001145852.2, NM_001371406.1 and 4 more transcripts); c.2401G>A, p.Ala801Thr (NM_001145849.2, NM_001145850.2); short protein forms A792T, A801T.
Identifiers: ClinVar variation 1009447 (VCV001009447.8), dbSNP rs1461675875, ClinGen allele CA356426787.

ClinVar aggregate classification (germline): Uncertain significance (1 of 4 stars; one submission).

Submission:

Labcorp Genetics (formerly Invitae), Labcorp
Classification: Uncertain significance. Last evaluated: 2022-08-09. Review status: criteria provided, single submitter. Criteria: Invitae Variant Classification Sherloc (09022015). Collection method: clinical testing. Allele origin: germline.
Comment: Algorithms developed to predict the effect of missense changes on protein structure and function are either unavailable or do not agree on the potential impact of this missense change (SIFT: "Tolerated"; PolyPhen-2: "Probably Damaging"; Align-GVGD: "Class C0"). In summary, the available evidence is currently insufficient to determine the role of this variant in disease. Therefore, it has been classified as a Variant of Uncertain Significance. ClinVar contains an entry for this variant (Variation ID: 1009447). This variant has not been reported in the literature in individuals affected with PROM1-related conditions. This variant is not present in population databases (gnomAD no frequency). This sequence change replaces alanine, which is neutral and non-polar, with threonine, which is neutral and polar, at codon 801 of the PROM1 protein (p.Ala801Thr).